The following is an entry in ClinVar:

NM_004517.4(ILK):c.422A>G (p.Lys141Arg)

Genes: TAF10 (TATA-box binding protein associated factor 10; minus strand), ILK (integrin linked kinase; plus strand). Cytogenetic location: 11p15.4.
Variant type: single nucleotide variant.
Coding change: c.422A>G on transcript NM_004517.4 (MANE Select); coding-DNA position 422, A replaced by G.
Protein change: p.Lys141Arg; replaces lysine 141 with arginine.
Molecular consequence: missense variant. On other transcripts: 3 prime UTR variant (1), intron variant (1).
Genome position (GRCh38, 1-based): chr11:6,608,764, A>G. VCF-style: chr11-6608764-A-G. GRCh37 (hg19) VCF-style: chr11-6629994-A-G.
Other names: c.422A>G, p.Lys141Arg (NM_001014794.3, NM_001014795.3); c.20A>G, p.Lys7Arg (NM_001278442.2); c.*2158T>C (NM_006284.4); c.352-120A>G (NM_001278441.2); short protein forms K141R, K7R.
Identifiers: ClinVar variation 1438063 (VCV001438063.8), dbSNP rs187795252, ClinGen allele CA5858040.
Genomic context (GRCh38, chr11:6,608,764, plus strand): 5'-CAAATGGGGCCCTTGTCAGCATCTGTAACAAGTATGGAGAGATGCCTGTGGACAAAGCCA[A>G]GGCACCCCTGAGAGAGCTTCTCCGAGGTCCATCTCCCCATCCCCTAGCTTGTGTCCTCTC-3'
Protein context (NP_004508.1, residues 131-151): KYGEMPVDKA[Lys141Arg]APLRELLRER

ClinVar aggregate classification (germline): Uncertain significance. Review status: criteria provided, multiple submitters, no conflicts (2 of 4 stars). 2 submissions from 2 submitters: Uncertain significance (2). Last evaluated 2023-05-29.

Conditions:
Primary familial hypertrophic cardiomyopathy (HCM). Identifiers: Orphanet 99739, MedGen C0949658, MeSH D024741, MONDO:0024573. Inheritance: Various modes of inheritance.

Allele frequency attached by ClinVar (database versions not stated): gnomAD exomes below 0.00001; ExAC 0.00001; gnomAD 0.00001; 1000 Genomes Project 30x 0.00016; 1000 Genomes Project 0.00020.
gnomAD v4.1: 5 of 1,614,122 alleles (0.00031%); highest among the groups gnomAD compares: Admixed American, 0.0017%; no homozygotes.

Submissions (2):

Ambry Genetics
Classification: Uncertain significance. Last evaluated: 2023-05-29. Review status: criteria provided, single submitter. Criteria: Ambry Variant Classification Scheme 2023. Collection method: clinical testing. Allele origin: germline.
Comment: The p.K141R variant (also known as c.422A>G), located in coding exon 4 of the ILK gene, results from an A to G substitution at nucleotide position 422. The lysine at codon 141 is replaced by arginine, an amino acid with highly similar properties. This amino acid position is conserved. In addition, the in silico prediction for this alteration is inconclusive. Since supporting evidence is limited at this time, the clinical significance of this alteration remains unclear.

Labcorp Genetics (formerly Invitae), Labcorp
Classification: Uncertain significance for Primary familial hypertrophic cardiomyopathy. Last evaluated: 2021-11-30. Review status: criteria provided, single submitter. Criteria: Invitae Variant Classification Sherloc (09022015). Collection method: clinical testing. Allele origin: germline.
Comment: In summary, the available evidence is currently insufficient to determine the role of this variant in disease. Therefore, it has been classified as a Variant of Uncertain Significance. Algorithms developed to predict the effect of missense changes on protein structure and function are either unavailable or do not agree on the potential impact of this missense change (SIFT: "Deleterious"; PolyPhen-2: "Benign"; Align-GVGD: "Class C25"). This variant has not been reported in the literature in individuals affected with ILK-related conditions. This variant is not present in population databases (gnomAD no frequency). This sequence change replaces lysine, which is basic and polar, with arginine, which is basic and polar, at codon 141 of the ILK protein (p.Lys141Arg).